The following is an entry in ClinVar:

NM_000540.3(RYR1):c.12582C>G (p.Phe4194Leu)

Gene: RYR1 (ryanodine receptor 1; plus strand). Cytogenetic location: 19q13.2.
Variant type: single nucleotide variant.
Coding change: c.12582C>G on transcript NM_000540.3 (MANE Select); coding-DNA position 12582, C replaced by G.
Protein change: p.Phe4194Leu; replaces phenylalanine 4194 with leucine.
Molecular consequence: missense variant.
Genome position (GRCh38, 1-based): chr19:38,561,412, C>G. VCF-style: chr19-38561412-C-G. GRCh37 (hg19) VCF-style: chr19-39052052-C-G.
Other names: c.12567C>G, p.Phe4189Leu (NM_001042723.2); short protein forms F4189L, F4194L.
Identifiers: ClinVar variation 1443288 (VCV001443288.8), dbSNP rs753263342, ClinGen allele CA059121.

ClinVar aggregate classification (germline): Pathogenic (1 of 4 stars; one submission).

Conditions:
RYR1-related disorder. Also called: RYR1-related condition; RYR1-related disorders. Identifiers: MedGen CN239331.

gnomAD v4.1: 3 of 1,612,464 alleles (0.00019%); highest among the groups gnomAD compares: East Asian, 0.0022%; no homozygotes.

Submission:

Labcorp Genetics (formerly Invitae), Labcorp
Classification: Pathogenic for RYR1-related disorder. Last evaluated: 2021-05-05. Review status: criteria provided, single submitter. Criteria: Invitae Variant Classification Sherloc (09022015). Collection method: clinical testing. Allele origin: germline.
Comment: For these reasons, this variant has been classified as Pathogenic. Advanced modeling of protein sequence and biophysical properties (such as structural, functional, and spatial information, amino acid conservation, physicochemical variation, residue mobility, and thermodynamic stability) performed at Invitae indicates that this missense variant is expected to disrupt RYR1 protein function. This variant has been observed in individual(s) with clinical features of RYR1-related conditions (PMID: 30236493, 24319099). In at least one individual the data is consistent with the variant being in trans (on the opposite chromosome) from a pathogenic variant. This variant is present in population databases (rs753263342, ExAC 0.01%). This sequence change replaces phenylalanine with leucine at codon 4194 of the RYR1 protein (p.Phe4194Leu). The phenylalanine residue is moderately conserved and there is a small physicochemical difference between phenylalanine and leucine.

Literature cited by the submitters: PubMed 30236493; PubMed 24319099.